The following is an entry in ClinVar:

NM_206933.4(USH2A):c.3289_3304dup (p.Gln1102fs)

Genes: USH2A (usherin; minus strand), USH2A-AS1 (USH2A antisense RNA 1; plus strand). Cytogenetic location: 1q41.
Variant type: Duplication.
Coding change: c.3289_3304dup on transcript NM_206933.4 (MANE Select); coding-DNA positions 3289 to 3304, 16 bases duplicated (TACACAACAGAGGATC).
Protein change: p.Gln1102fs; shifts the reading frame from glutamine 1102.
Molecular consequence: frameshift variant.
Genome position (GRCh38, 1-based): chr1:216,207,285-216,207,300, GATCCTCTGTTGTGTA duplicated on the plus strand (TACACAACAGAGGATC on the coding strand, the reverse complement: USH2A is on the minus strand); duplicating any 16 consecutive bases within chr1:216,207,285-216,207,303 gives the same sequence; the c. name uses the placement nearest the transcript's 3' end. VCF-style (leftmost placement, unchanged base first): chr1-216207284-T-TGATCCTCTGTTGTGTA. GRCh37 (hg19) VCF-style: chr1-216380626-T-TGATCCTCTGTTGTGTA.
Other names: c.3289_3304dup, p.Gln1102fs (NM_007123.6); short protein forms Q1102fs.
Identifiers: ClinVar variation 5013720 (VCV005013720.1).

ClinVar aggregate classification (germline): Pathogenic (1 of 4 stars; one submission).

Conditions:
USH2A-related disorder. Also called: USH2A-related condition; USH2A-related disorders. Identifiers: MedGen CN239332.

Submission:

Myriad Genetics, Inc.
Classification: Pathogenic for USH2A-related disorder. Last evaluated: 2024-11-06. Review status: criteria provided, single submitter. Criteria: Myriad Autosomal Dominant, Autosomal Recessive and X-Linked Classification Criteria (2023). Collection method: clinical testing. Allele origin: unknown.
Comment: NM_206933.2(USH2A):c.3289_3304dup16(Q1102Lfs*30) is expected to be pathogenic in the context of USH2A-related disorders. This variant is predicted to lead to an abnormal or absent protein product due to the creation of a premature termination codon in USH2A, a gene where loss-of-function variants are known to be pathogenic. Please note: this variant was assessed in the context of healthy population screening.